The following is an entry in ClinVar:

NM_017636.4(TRPM4):c.3529C>G (p.Arg1177Gly)

Gene: TRPM4 (transient receptor potential cation channel subfamily M member 4; plus strand). Cytogenetic location: 19q13.33.
Variant type: single nucleotide variant.
Coding change: c.3529C>G on transcript NM_017636.4 (MANE Select); coding-DNA position 3529, C replaced by G.
Protein change: p.Arg1177Gly; replaces arginine 1177 with glycine.
Molecular consequence: missense variant.
Genome position (GRCh38, 1-based): chr19:49,211,082, C>G. VCF-style: chr19-49211082-C-G. GRCh37 (hg19) VCF-style: chr19-49714339-C-G.
Other names: c.3094C>G, p.Arg1032Gly (NM_001195227.2); c.3184C>G, p.Arg1062Gly (NM_001321281.2); c.1921C>G, p.Arg641Gly (NM_001321282.2); c.3007C>G, p.Arg1003Gly (NM_001321283.2); c.2467C>G, p.Arg823Gly (NM_001321285.2); short protein forms R1003G, R1032G, R823G, R1062G, R1177G, R641G.
Identifiers: ClinVar variation 1732330 (VCV001732330.2), dbSNP rs145109683, ClinGen allele CA9569946.
Genomic context (GRCh38, chr19:49,211,082, plus strand): 5'-TTGGCACTGAAACAGCTGGGACACATCCGCGAGTACGAACAGCGCCTGAAAGTGCTGGAG[C>G]GGGAGGTGAGGCCTTGGGGCCTGGCTGGGGGACTGTGGCAGGGGTCCCATCTCCCGCTCT-3'
Protein context (NP_060106.2, residues 1167-1187): EYEQRLKVLE[Arg1177Gly]EVQQCSRVLG

ClinVar aggregate classification (germline): Uncertain significance (1 of 4 stars; one submission).

Conditions:
Cardiovascular phenotype. Identifiers: MedGen CN230736.

Allele frequency attached by ClinVar (database versions not stated): ExAC 0.00003.
gnomAD v4.1: 2 of 1,613,994 alleles (0.00012%); highest among the groups gnomAD compares: East Asian, 0.0045%; no homozygotes.

Submission:

Ambry Genetics
Classification: Uncertain significance for Cardiovascular phenotype. Last evaluated: 2019-09-26. Review status: criteria provided, single submitter. Criteria: Ambry Variant Classification Scheme 2023. Collection method: clinical testing. Allele origin: germline.
Comment: The p.R1177G variant (also known as c.3529C>G), located in coding exon 23 of the TRPM4 gene, results from a C to G substitution at nucleotide position 3529. The arginine at codon 1177 is replaced by glycine, an amino acid with dissimilar properties. This amino acid position is poorly conserved in available vertebrate species. In addition, this alteration is predicted to be tolerated by in silico analysis. Since supporting evidence is limited at this time, the clinical significance of this alteration remains unclear.